The following is an entry in ClinVar:

ClinVar aggregate classification (germline): Uncertain significance (1 of 4 stars; one submission).

Submission:

Ambry Genetics
Classification: Uncertain significance. Last evaluated: 2021-09-30. Review status: criteria provided, single submitter. Criteria: Ambry Variant Classification Scheme 2023. Collection method: clinical testing. Allele origin: germline.
Comment: The p.Q752R variant (also known as c.2255A>G), located in coding exon 14 of the POLQ gene, results from an A to G substitution at nucleotide position 2255. The glutamine at codon 752 is replaced by arginine, an amino acid with highly similar properties. This amino acid position is conserved. In addition, the in silico prediction for this alteration is inconclusive. Since supporting evidence is limited at this time, the clinical significance of this alteration remains unclear.

NM_199420.4(POLQ):c.2255A>G (p.Gln752Arg)

Gene: POLQ (DNA polymerase theta; minus strand). Cytogenetic location: 3q13.33.
Variant type: single nucleotide variant.
Coding change: c.2255A>G on transcript NM_199420.4 (MANE Select); coding-DNA position 2255, A replaced by G.
Protein change: p.Gln752Arg; replaces glutamine 752 with arginine.
Molecular consequence: missense variant.
Genome position (GRCh38, 1-based): chr3:121,496,831, T>C on the plus strand (A>G on the coding strand, the complement: POLQ is on the minus strand). VCF-style: chr3-121496831-T-C. GRCh37 (hg19) VCF-style: chr3-121215678-T-C.
Other names: short protein forms Q752R.
Identifiers: ClinVar variation 1788505 (VCV001788505.2), dbSNP rs2546793637, ClinGen allele CA354108862.